The following is an entry in ClinVar:

ClinVar aggregate classification (germline): Uncertain significance. Review status: criteria provided, multiple submitters, no conflicts (2 of 4 stars). 3 submissions from 3 submitters: Uncertain significance (3). Last evaluated 2026-04-14.

Conditions:
Familial intrahepatic cholestasis. Identifiers: Orphanet 284385, MedGen CN296401, MONDO:0017290.

Allele frequency attached by ClinVar (database versions not stated): gnomAD below 0.00001 and 0.00003; ExAC 0.00001; gnomAD exomes 0.00001 and 0.00002.
gnomAD v4.1: 16 of 1,613,912 alleles (0.00099%); highest among the groups gnomAD compares: South Asian, 0.018%; no homozygotes.

Submissions (3):

Genomenon, Inc
Classification: Uncertain significance for Familial intrahepatic cholestasis. Last evaluated: 2026-04-14. Review status: criteria provided, single submitter. Criteria: Genomenon Sequence Variant Interpretation Standards - Updated. Collection method: curation. Allele origin: germline. Affected: no.
Comment: ABCB11 p.Ala1260Pro (c.3778G>C) is a missense variant that changes the amino acid at residue 1260 from Alanine to Proline. This variant has been reported in the published literature (PMID:37208429). It is absent or not present at a significant frequency in gnomAD. In silico models predict that this variant is possibly or probably damaging. In conclusion, we classify ABCB11 p.Ala1260Pro (c.3778G>C) as a variant of uncertain significance.

Women's Health and Genetics/Laboratory Corporation of America, LabCorp
Classification: Uncertain significance. Last evaluated: 2025-03-27. Review status: criteria provided, single submitter. Criteria: LabCorp Variant Classification Summary - May 2015. Collection method: clinical testing. Allele origin: germline.
Comment: Variant summary: ABCB11 c.3778G>C (p.Ala1260Pro) results in a non-conservative amino acid change in the encoded protein sequence. Four of four in-silico tools predict a damaging effect of the variant on protein function. The variant allele was found at a frequency of 1.6e-05 in 246828 control chromosomes. The available data on variant occurrences in the general population are insufficient to allow any conclusion about variant significance. c.3778G>C has been reported in the literature in a large cohort of individuals with unclear phenotypes, noted to be associated with gallstone disease (Zilner_2023). These report(s) do not provide unequivocal conclusions about association of the variant with Familial Intrahepatic Cholestasis. To our knowledge, no experimental evidence demonstrating an impact on protein function has been reported. The following publication have been ascertained in the context of this evaluation (PMID: 37208429). ClinVar contains an entry for this variant (Variation ID: 498840). Based on the evidence outlined above, the variant was classified as uncertain significance.

Eurofins Ntd Llc (ga)
Classification: Uncertain significance. Last evaluated: 2016-11-28. Review status: criteria provided, single submitter. Criteria: EGL Classification Definitions 2015. Collection method: clinical testing. Allele origin: germline. Observed: 1 variant allele, 1 heterozygote.

Literature cited by the submitters: PubMed 37208429 (cited by Genomenon, Inc and Women's Health and Genetics/Laboratory Corporation of America, LabCorp).

NM_003742.4(ABCB11):c.3778G>C (p.Ala1260Pro)

Gene: ABCB11 (ATP binding cassette subfamily B member 11; minus strand). Cytogenetic location: 2q31.1.
Variant type: single nucleotide variant.
Coding change: c.3778G>C on transcript NM_003742.4 (MANE Select); coding-DNA position 3778, G replaced by C.
Protein change: p.Ala1260Pro; replaces alanine 1260 with proline.
Molecular consequence: missense variant.
Genome position (GRCh38, 1-based): chr2:168,923,810, C>G on the plus strand (G>C on the coding strand, the complement: ABCB11 is on the minus strand). VCF-style: chr2-168923810-C-G. GRCh37 (hg19) VCF-style: chr2-169780320-C-G.
Other names: c.3778G>C, p.Ala1260Pro (LRG_1199t1); short protein forms A1260P.
Identifiers: ClinVar variation 498840 (VCV000498840.7), dbSNP rs772097949, ClinGen allele CA1950922.
Genomic context (GRCh38, chr2:168,923,810, plus strand): 5'-TGGTGGACAAGCGATGGGCAATGACAATGCAGGTCCGACCCTCTCTGGCTTTGTCTAGAG[C>G]AACCTGCACCGTCTGCAAAGAGAAGATGGAAAGTTGATGCAAAGATGCATGATTGCTCCC-3'
Protein context (NP_003733.2, residues 1250-1270): DTESEKTVQV[Ala1260Pro]LDKAREGRTC